The following is an entry in ClinVar:

NM_002115.3(HK3):c.521C>T (p.Thr174Met)

Gene: HK3 (hexokinase 3; minus strand). Cytogenetic location: 5q35.2.
Variant type: single nucleotide variant.
Coding change: c.521C>T on transcript NM_002115.3 (MANE Select); coding-DNA position 521, C replaced by T.
Protein change: p.Thr174Met; replaces threonine 174 with methionine.
Molecular consequence: missense variant.
Genome position (GRCh38, 1-based): chr5:176,890,835, G>A on the plus strand (C>T on the coding strand, the complement: HK3 is on the minus strand). VCF-style: chr5-176890835-G-A. GRCh37 (hg19) VCF-style: chr5-176317836-G-A.
Other names: short protein forms T174M.
Identifiers: ClinVar variation 4280778 (VCV004280778.7).

ClinVar aggregate classification (germline): Likely benign (1 of 4 stars; one submission).

gnomAD v4.1: 6,427 of 1,614,132 alleles (0.4%); highest among the groups gnomAD compares: Non-Finnish European, 0.51%; 14 homozygotes.

Submission:

CeGaT Center for Human Genetics Tuebingen
Classification: Likely benign. Last evaluated: 2026-09-01. Review status: criteria provided, single submitter. Criteria: CeGaT Center For Human Genetics Tuebingen Variant Classification Criteria Version 2. Collection method: clinical testing. Allele origin: germline. Affected: yes. Observed: 2 variant alleles.
Comment: HK3: BS2